The following is an entry in ClinVar:

NM_172107.4(KCNQ2):c.1686C>G (p.Tyr562Ter)

Gene: KCNQ2 (potassium voltage-gated channel subfamily Q member 2; minus strand). Cytogenetic location: 20q13.33.
Variant type: single nucleotide variant.
Coding change: c.1686C>G on transcript NM_172107.4 (MANE Select); coding-DNA position 1686, C replaced by G.
Protein change: p.Tyr562Ter; replaces tyrosine 562 with a stop codon.
Molecular consequence: nonsense.
Genome position (GRCh38, 1-based): chr20:63,413,527, G>C on the plus strand (C>G on the coding strand, the complement: KCNQ2 is on the minus strand). VCF-style: chr20-63413527-G-C. GRCh37 (hg19) VCF-style: chr20-62044880-G-C.
Other names: c.1602C>G, p.Tyr534Ter (NM_004518.6); c.1632C>G, p.Tyr544Ter (NM_172106.3); c.1593C>G, p.Tyr531Ter (NM_172108.5); short protein forms Y531*, Y534*, Y562*, Y544*.
Identifiers: ClinVar variation 854847 (VCV000854847.8), dbSNP rs1057520773, ClinGen allele CA409643766.

ClinVar aggregate classification (germline): Pathogenic (1 of 4 stars; one submission).

Conditions:
Early-infantile DEE. Also called: Ohtahara syndrome; Early infantile epileptic encephalopathy with suppression bursts; Early infantile epileptic encephalopathy. Identifiers: Orphanet 1934, MedGen C0393706, MONDO:0800491.

Submission:

Labcorp Genetics (formerly Invitae), Labcorp
Classification: Pathogenic for Early-infantile DEE. Last evaluated: 2022-01-14. Review status: criteria provided, single submitter. Criteria: Invitae Variant Classification Sherloc (09022015). Collection method: clinical testing. Allele origin: germline.
Comment: For these reasons, this variant has been classified as Pathogenic. ClinVar contains an entry for this variant (Variation ID: 854847). This variant has not been reported in the literature in individuals affected with KCNQ2-related conditions. This variant is not present in population databases (gnomAD no frequency). This sequence change creates a premature translational stop signal (p.Tyr562*) in the KCNQ2 gene. It is expected to result in an absent or disrupted protein product. Loss-of-function variants in KCNQ2 are known to be pathogenic (PMID: 14534157, 23692823, 27779742).

Literature cited by the submitters: PubMed 14534157; PubMed 23692823; PubMed 27779742.